The following is an entry in ClinVar:

ClinVar aggregate classification (germline): Uncertain significance. Review status: criteria provided, multiple submitters, no conflicts (2 of 4 stars). 4 submissions from 4 submitters: Uncertain significance (3). 1 of the submissions does not count toward it. Last evaluated 2025-10-15.

Conditions:
Joubert syndrome. Also called: Familial aplasia of the vermis; JOUBERT-BOLTSHAUSER SYNDROME. Identifiers: Orphanet 475, MedGen C5979921, MONDO:0018772.
Nephronophthisis. Also called: Juvenile Nephronophthisis. Identifiers: Orphanet 655, MedGen C0687120, MONDO:0019005, HP:0000090.
Meckel-Gruber syndrome. Also called: DYSENCEPHALIA SPLANCHNOCYSTICA; GRUBER SYNDROME; Dysencephalia splachnocystica. Identifiers: Orphanet 564, MedGen C0265215, MONDO:0018921.
CEP290-related disorder. Also called: CEP290-related disorders; CEP290-related condition. Identifiers: MedGen CN239314.
Bardet-Biedl syndrome 14 (BBS14). Identifiers: Orphanet 110, MedGen C2673874, MONDO:0014442, OMIM 615991.
Meckel syndrome, type 4 (MKS4). Also called: MECKEL-GRUBER SYNDROME, TYPE 4. Identifiers: Orphanet 564, MedGen C1970161, MONDO:0012626, OMIM 611134.
Senior-Loken syndrome 6 (SLSN6). Identifiers: Orphanet 3156, MedGen C1857779, MONDO:0012433, OMIM 610189.
Leber congenital amaurosis 10 (LCA10). Identifiers: Orphanet 65, MedGen C1857821, MONDO:0012723, OMIM 611755.
Joubert syndrome 5 (JBTS5). Identifiers: Orphanet 2318, MedGen C1857780, MONDO:0012432, OMIM 610188.
Leber congenital amaurosis (LCA). Also called: Leber's amaurosis. Identifiers: Orphanet 65, MedGen C0339527, MeSH D057130, MONDO:0018998.

Allele frequency attached by ClinVar (database versions not stated): TOPMed below 0.00001; ExAC 0.00001; gnomAD 0.00001; gnomAD exomes 0.00001.
gnomAD v4.1: 7 of 1,606,596 alleles (0.00044%); highest among the groups gnomAD compares: Admixed American, 0.0085%; no homozygotes.

Submissions (4):

PreventionGenetics, part of Exact Sciences
Classification: Uncertain significance for CEP290-related condition. Last evaluated: 2025-10-15. Review status: criteria provided, single submitter. Criteria: ACMG Guidelines, 2015. Collection method: clinical testing. Allele origin: germline.
Comment: The CEP290 c.2113G>A variant is predicted to result in the amino acid substitution p.Val705Ile. To our knowledge, this variant has not been reported in the literature. This variant is reported in 0.0088% of alleles in individuals of Latino descent in gnomAD. At this time, the clinical significance of this variant is uncertain due to the absence of conclusive functional and genetic evidence.

Labcorp Genetics (formerly Invitae), Labcorp
Classification: Uncertain significance for Joubert syndrome; Meckel-Gruber syndrome; Nephronophthisis. Last evaluated: 2025-08-18. Review status: criteria provided, single submitter. Criteria: Invitae Variant Classification Sherloc (09022015). Collection method: clinical testing. Allele origin: germline.
Comment: This sequence change replaces valine, which is neutral and non-polar, with isoleucine, which is neutral and non-polar, at codon 705 of the CEP290 protein (p.Val705Ile). This variant is present in population databases (rs769216455, gnomAD 0.009%). This variant has not been reported in the literature in individuals affected with CEP290-related conditions. ClinVar contains an entry for this variant (Variation ID: 1041231). Invitae Evidence Modeling of protein sequence and biophysical properties (such as structural, functional, and spatial information, amino acid conservation, physicochemical variation, residue mobility, and thermodynamic stability) indicates that this missense variant is not expected to disrupt CEP290 protein function with a negative predictive value of 80%. In summary, the available evidence is currently insufficient to determine the role of this variant in disease. Therefore, it has been classified as a Variant of Uncertain Significance.

Fulgent Genetics
Classification: Uncertain significance for Joubert syndrome 5; Senior-Loken syndrome 6; Meckel syndrome, type 4; Leber congenital amaurosis 10; Bardet-Biedl syndrome 14. Last evaluated: 2021-12-16. Review status: criteria provided, single submitter. Criteria: ACMG Guidelines, 2015. Collection method: clinical testing. Allele origin: unknown.

Natera, Inc.
Classification: Uncertain significance for Leber congenital amaurosis. Last evaluated: 2020-02-26. Review status: no assertion criteria provided. Collection method: clinical testing. Allele origin: germline. Not counted in ClinVar's aggregate classification.

NM_025114.4(CEP290):c.2113G>A (p.Val705Ile)

Gene: CEP290 (centrosomal protein 290; minus strand). Cytogenetic location: 12q21.32.
Variant type: single nucleotide variant.
Coding change: c.2113G>A on transcript NM_025114.4 (MANE Select); coding-DNA position 2113, G replaced by A.
Protein change: p.Val705Ile; replaces valine 705 with isoleucine.
Molecular consequence: missense variant.
Genome position (GRCh38, 1-based): chr12:88,111,798, C>T on the plus strand (G>A on the coding strand, the complement: CEP290 is on the minus strand). VCF-style: chr12-88111798-C-T. GRCh37 (hg19) VCF-style: chr12-88505575-C-T.
Other names: c.2113G>A (NM_025114.3); short protein forms V705I.
Identifiers: ClinVar variation 1041231 (VCV001041231.9), dbSNP rs769216455, ClinGen allele CA6712398.